The following is an entry in ClinVar:

NM_005477.3(HCN4):c.561T>C (p.Ala187=)

Gene: HCN4 (hyperpolarization activated cyclic nucleotide gated potassium channel 4; minus strand). Cytogenetic location: 15q24.1.
Variant type: single nucleotide variant.
Coding change: c.561T>C on transcript NM_005477.3 (MANE Select); coding-DNA position 561, T replaced by C.
Protein change: p.Ala187=; no amino-acid change (alanine 187 retained).
Molecular consequence: synonymous variant.
Genome position (GRCh38, 1-based): chr15:73,367,710, A>G on the plus strand (T>C on the coding strand, the complement: HCN4 is on the minus strand). VCF-style: chr15-73367710-A-G. GRCh37 (hg19) VCF-style: chr15-73660051-A-G.
Identifiers: ClinVar variation 412796 (VCV000412796.21), dbSNP rs375206856, ClinGen allele CA7649461.

ClinVar aggregate classification (germline): Benign/Likely benign. Review status: criteria provided, multiple submitters, no conflicts (2 of 4 stars). 7 submissions from 7 submitters: Benign (1); Likely benign (6). Last evaluated 2026-04-24.

Conditions:
Cardiovascular phenotype. Identifiers: MedGen CN230736.
Sick sinus syndrome 2, autosomal dominant (SSS2). Also called: ATRIAL FIBRILLATION WITH BRADYARRHYTHMIA; SINUS BRADYCARDIA SYNDROME, FAMILIAL, AUTOSOMAL DOMINANT; SINUS NODE DISEASE, FAMILIAL, AUTOSOMAL DOMINANT; SICK SINUS SYNDROME 2; SICK SINUS SYNDROME 2 WITH OR WITHOUT CARDIAC NONCOMPACTION AND/OR ASCENDING AORTA DILATION. Identifiers: Orphanet 166282, MedGen C1834144, MONDO:0008102, OMIM 163800.
Epilepsy, idiopathic generalized, susceptibility to, 18. Identifiers: MedGen C5561983, MONDO:0030434, OMIM 619521.
Brugada syndrome 8 (BRGDA8). Identifiers: Orphanet 130, MedGen C2751083, MONDO:0013148, OMIM 613123.

Allele frequency attached by ClinVar (database versions not stated): gnomAD exomes 0.00003 and 0.00004; ExAC 0.00004; ESP Exome Variant Server 0.00016; gnomAD 0.00028 and 0.00030; TOPMed 0.00033.
gnomAD v4.1: 86 of 1,597,754 alleles (0.0054%); highest among the groups gnomAD compares: African/African-American, 0.11%; no homozygotes.

Submissions (7):

Women's Health and Genetics/Laboratory Corporation of America, LabCorp
Classification: Benign. Last evaluated: 2026-04-24. Review status: criteria provided, single submitter. Criteria: LabCorp Variant Classification Summary - May 2015. Collection method: clinical testing. Allele origin: germline.

Molecular Diagnostic Laboratory for Inherited Cardiovascular Disease, Montreal Heart Institute
Classification: Likely benign. Last evaluated: 2026-03-27. Review status: criteria provided, single submitter. Criteria: ACMG Guidelines, 2015. Collection method: clinical testing. Allele origin: germline. Affected: no.
Comment: BP7

Labcorp Genetics (formerly Invitae), Labcorp
Classification: Likely benign for Brugada syndrome 8. Last evaluated: 2026-01-18. Review status: criteria provided, single submitter. Criteria: Invitae Variant Classification Sherloc (09022015). Collection method: clinical testing. Allele origin: germline.

Blueprint Genetics
Classification: Likely benign. Last evaluated: 2022-05-04. Review status: criteria provided, single submitter. Criteria: ACMG Guidelines, 2015. Collection method: clinical testing. Allele origin: germline.

Fulgent Genetics
Classification: Likely benign for Sick sinus syndrome 2, autosomal dominant; Brugada syndrome 8; Epilepsy, idiopathic generalized, susceptibility to, 18. Last evaluated: 2021-10-12. Review status: criteria provided, single submitter. Criteria: ACMG Guidelines, 2015. Collection method: clinical testing. Allele origin: unknown.

GeneDx
Classification: Likely benign. Last evaluated: 2021-06-22. Review status: criteria provided, single submitter. Criteria: GeneDx Variant Classification Process June 2021. Collection method: clinical testing. Allele origin: germline. Affected: yes.

Ambry Genetics
Classification: Likely benign for Cardiovascular phenotype. Last evaluated: 2017-08-04. Review status: criteria provided, single submitter. Criteria: Ambry Variant Classification Scheme 2023. Collection method: clinical testing. Allele origin: germline.